The following is an entry in ClinVar:

NM_000031.6(ALAD):c.24C>T (p.His8=)

Gene: ALAD (aminolevulinate dehydratase; minus strand). Cytogenetic location: 9q32.
Variant type: single nucleotide variant.
Coding change: c.24C>T on transcript NM_000031.6 (MANE Select); coding-DNA position 24, C replaced by T.
Protein change: p.His8=; no amino-acid change (histidine 8 retained).
Molecular consequence: synonymous variant. On other transcripts: 5 prime UTR variant (1).
Genome position (GRCh38, 1-based): chr9:113,393,536, G>A on the plus strand (C>T on the coding strand, the complement: ALAD is on the minus strand). VCF-style: chr9-113393536-G-A. GRCh37 (hg19) VCF-style: chr9-116155816-G-A.
Other names: c.-56C>T (NM_001003945.3); c.51C>T, p.His17= (NM_001317745.2); c.24C>T (NM_000031.5).
Identifiers: ClinVar variation 1107908 (VCV001107908.11), dbSNP rs763163695, ClinGen allele CA5196674.

ClinVar aggregate classification (germline): Likely benign. Review status: criteria provided, single submitter (1 of 4 stars). 2 submissions from 2 submitters: Likely benign (1). 1 of the submissions does not count toward it. Last evaluated 2020-08-25.

Conditions:
ALAD-related disorder. Also called: ALAD-related condition.

Allele frequency attached by ClinVar (database versions not stated): gnomAD 0.00001; gnomAD exomes 0.00001; ExAC 0.00002; TOPMed 0.00003.
gnomAD v4.1: 4 of 1,613,676 alleles (0.00025%); highest among the groups gnomAD compares: African/African-American, 0.0027%; no homozygotes.

Submissions (2):

Labcorp Genetics (formerly Invitae), Labcorp
Classification: Likely benign. Last evaluated: 2020-08-25. Review status: criteria provided, single submitter. Criteria: Invitae Variant Classification Sherloc (09022015). Collection method: clinical testing. Allele origin: germline.

PreventionGenetics, part of Exact Sciences
Classification: Likely benign for ALAD-related condition. Last evaluated: 2019-05-23. Review status: no assertion criteria provided. Collection method: clinical testing. Allele origin: germline. Not counted in ClinVar's aggregate classification.
Comment: This variant is classified as likely benign based on ACMG/AMP sequence variant interpretation guidelines (Richards et al. 2015 PMID: 25741868, with internal and published modifications).